The following is an entry in ClinVar:

NM_004281.4(BAG3):c.1531C>G (p.Gln511Glu)

Gene: BAG3 (BAG cochaperone 3; plus strand). Cytogenetic location: 10q26.11.
Variant type: single nucleotide variant.
Coding change: c.1531C>G on transcript NM_004281.4 (MANE Select); coding-DNA position 1531, C replaced by G.
Protein change: p.Gln511Glu; replaces glutamine 511 with glutamic acid.
Molecular consequence: missense variant.
Genome position (GRCh38, 1-based): chr10:119,677,085, C>G. VCF-style: chr10-119677085-C-G. GRCh37 (hg19) VCF-style: chr10-121436597-C-G.
Other names: short protein forms Q511E.
Identifiers: ClinVar variation 4790768 (VCV004790768.1).

ClinVar aggregate classification (germline): Uncertain significance (1 of 4 stars; one submission).

Conditions:
Dilated cardiomyopathy 1HH (CMD1HH). Identifiers: Orphanet 154, MedGen C3151293, MONDO:0013479, OMIM 613881.
Myofibrillar myopathy 6. Identifiers: Orphanet 199340, MedGen C2751831, MONDO:0013061, OMIM 612954.

gnomAD v4.1: 8 of 1,614,118 alleles (0.0005%); highest among the groups gnomAD compares: Non-Finnish European, 0.00068%; no homozygotes.

Submission:

Labcorp Genetics (formerly Invitae), Labcorp
Classification: Uncertain significance for Dilated cardiomyopathy 1HH; Myofibrillar myopathy 6. Last evaluated: 2025-08-19. Review status: criteria provided, single submitter. Criteria: Invitae Variant Classification Sherloc (09022015). Collection method: clinical testing. Allele origin: germline.
Comment: This sequence change replaces glutamine, which is neutral and polar, with glutamic acid, which is acidic and polar, at codon 511 of the BAG3 protein (p.Gln511Glu). This variant is present in population databases (rs781630937, gnomAD 0.0009%). This variant has not been reported in the literature in individuals affected with BAG3-related conditions. Invitae Evidence Modeling of protein sequence and biophysical properties (such as structural, functional, and spatial information, amino acid conservation, physicochemical variation, residue mobility, and thermodynamic stability) indicates that this missense variant is not expected to disrupt BAG3 protein function with a negative predictive value of 80%. In summary, the available evidence is currently insufficient to determine the role of this variant in disease. Therefore, it has been classified as a Variant of Uncertain Significance.